The following is an entry in ClinVar:

NM_001849.4(COL6A2):c.2751G>T (p.Val917=)

Gene: COL6A2 (collagen type VI alpha 2 chain; plus strand). Cytogenetic location: 21q22.3.
Variant type: single nucleotide variant.
Coding change: c.2751G>T on transcript NM_001849.4 (MANE Select); coding-DNA position 2751, G replaced by T.
Protein change: p.Val917=; no amino-acid change (valine 917 retained).
Molecular consequence: synonymous variant.
Genome position (GRCh38, 1-based): chr21:46,132,243, G>T. VCF-style: chr21-46132243-G-T. GRCh37 (hg19) VCF-style: chr21-47552157-G-T.
Identifiers: ClinVar variation 196117 (VCV000196117.24), dbSNP rs111341650, ClinGen allele CA242943.

ClinVar aggregate classification (germline): Conflicting classifications of pathogenicity. Review status: criteria provided, conflicting classifications (1 of 4 stars). 6 submissions from 6 submitters: Uncertain significance (1); Benign (1); Likely benign (4). Last evaluated 2026-02-01.

Conditions:
Bethlem myopathy 1A. Also called: Bethlem myopathy 1; MYOPATHY, BENIGN CONGENITAL, WITH CONTRACTURES; Bethlem Muscular Dystrophy. Identifiers: Orphanet 610, MedGen CN029274, MONDO:0024530, OMIM 158810.
Collagen 6-related myopathy. Identifiers: MedGen CN117976, MONDO:0100225.

Allele frequency attached by ClinVar (database versions not stated): 1000 Genomes Project 0.00020; 1000 Genomes Project 30x 0.00031; ESP Exome Variant Server 0.00054; TOPMed 0.00072; gnomAD 0.00099.

Submissions (6):

Labcorp Genetics (formerly Invitae), Labcorp
Classification: Likely benign for Bethlem myopathy 1A. Last evaluated: 2026-02-01. Review status: criteria provided, single submitter. Criteria: Invitae Variant Classification Sherloc (09022015). Collection method: clinical testing. Allele origin: germline.

Blueprint Genetics
Classification: Likely benign. Last evaluated: 2024-11-19. Review status: criteria provided, single submitter. Criteria: ACMG Guidelines, 2015. Collection method: clinical testing. Allele origin: germline.

GeneDx
Classification: Likely benign. Last evaluated: 2019-11-04. Review status: criteria provided, single submitter. Criteria: GeneDx Variant Classification Process June 2021. Collection method: clinical testing. Allele origin: germline. Affected: yes.
Comment: Nucleotide substitution has no predicted effect on splicing and is not conserved across species; Has not been previously published as pathogenic or benign to our knowledge; In silico analysis, which includes splice predictors and evolutionary conservation, suggests this variant may impact gene splicing. In the absence of RNA/functional studies, the actual effect of this sequence change is unknown.

Eurofins Ntd Llc (ga)
Classification: Uncertain significance. Last evaluated: 2018-08-23. Review status: criteria provided, single submitter. Criteria: EGL ClinVar v180209 classification definitions. Collection method: clinical testing. Allele origin: germline. Observed: 12 variant alleles, 12 heterozygotes.

Illumina Laboratory Services, Illumina
Classification: Benign for Collagen VI-related myopathy. Last evaluated: 2018-01-13. Review status: criteria provided, single submitter. Criteria: ICSL Variant Classification Criteria 13 December 2019. Collection method: clinical testing. Allele origin: germline.
Comment: This variant was observed in the ICSL laboratory as part of a predisposition screen in an ostensibly healthy population. It had not been previously curated by ICSL or reported in the Human Gene Mutation Database (HGMD: prior to June 1st, 2018), and was therefore a candidate for classification through an automated scoring system. Utilizing variant allele frequency, disease prevalence and penetrance estimates, and inheritance mode, an automated score was calculated to assess if this variant is too frequent to cause the disease. Based on the score and internal cut-off values, a variant classified as benign is not then subjected to further curation. The score for this variant resulted in a classification of benign for this disease.

PreventionGenetics, part of Exact Sciences
Classification: Likely benign. Review status: criteria provided, single submitter. Criteria: ACMG Guidelines, 2015. Collection method: clinical testing. Allele origin: germline.